The following is an entry in ClinVar:

NM_032043.3(BRIP1):c.1836G>A (p.Leu612=)

Gene: BRIP1 (BRCA1 interacting DNA helicase 1; minus strand). Cytogenetic location: 17q23.2.
Variant type: single nucleotide variant.
Coding change: c.1836G>A on transcript NM_032043.3 (MANE Select); coding-DNA position 1836, G replaced by A.
Protein change: p.Leu612=; no amino-acid change (leucine 612 retained).
Molecular consequence: synonymous variant.
Genome position (GRCh38, 1-based): chr17:61,780,360, C>T on the plus strand (G>A on the coding strand, the complement: BRIP1 is on the minus strand). VCF-style: chr17-61780360-C-T. GRCh37 (hg19) VCF-style: chr17-59857721-C-T.
Identifiers: ClinVar variation 1158017 (VCV001158017.13), dbSNP rs1464898721, ClinGen allele CA501150409.

ClinVar aggregate classification (germline): Benign/Likely benign. Review status: criteria provided, multiple submitters, no conflicts (2 of 4 stars). 4 submissions from 4 submitters: Benign (1); Likely benign (3). Last evaluated 2026-01-08.

Conditions:
Hereditary cancer-predisposing syndrome. Also called: Neoplastic Syndromes, Hereditary; Hereditary Cancer Syndrome; Hereditary neoplastic syndrome; Tumor predisposition. Identifiers: Orphanet 140162, MedGen C0027672, MeSH D009386, MONDO:0015356.
Fanconi anemia complementation group J. Also called: BRIP1-Related Fanconi Anemia. Identifiers: Orphanet 84, MedGen C1836860, MONDO:0012187, OMIM 609054.
Familial cancer of breast. Also called: hereditary breast carcinoma; Hereditary breast cancer; BREAST CANCER, FAMILIAL. Identifiers: Orphanet 227535, MedGen C0346153, MONDO:0016419, OMIM 114480. Disease mechanism: loss of function.
Breast and/or ovarian cancer. Identifiers: MedGen CN221562.

Allele frequency attached by ClinVar (database versions not stated): gnomAD exomes below 0.00001.
gnomAD v4.1: 6 of 1,610,676 alleles (0.00037%); highest among the groups gnomAD compares: Non-Finnish European, 0.00051%; no homozygotes.

Submissions (4):

Labcorp Genetics (formerly Invitae), Labcorp
Classification: Likely benign for Familial cancer of breast; Fanconi anemia complementation group J. Last evaluated: 2026-01-08. Review status: criteria provided, single submitter. Criteria: Invitae Variant Classification Sherloc (09022015). Collection method: clinical testing. Allele origin: germline.

Myriad Genetics, Inc.
Classification: Benign for Familial cancer of breast. Last evaluated: 2024-08-29. Review status: criteria provided, single submitter. Criteria: Myriad Autosomal Dominant, Autosomal Recessive and X-Linked Classification Criteria (2023). Collection method: clinical testing. Allele origin: unknown.
Comment: This variant is considered benign. This variant is a silent/synonymous amino acid change and it is not expected to impact splicing.

Ambry Genetics
Classification: Likely benign for Hereditary cancer-predisposing syndrome. Last evaluated: 2023-10-19. Review status: criteria provided, single submitter. Criteria: Ambry Variant Classification Scheme 2023. Collection method: clinical testing. Allele origin: germline.

CHEO Genetics Diagnostic Laboratory, Children's Hospital of Eastern Ontario
Classification: Likely benign for Breast and/or ovarian cancer. Last evaluated: 2021-04-22. Review status: criteria provided, single submitter. Criteria: ACMG Guidelines, 2015. Collection method: clinical testing. Allele origin: germline.